The following is an entry in ClinVar:

NM_000182.5(HADHA):c.1319dup (p.Ala441fs)

Genes: GAREM2 (GRB2 associated regulator of MAPK1 subtype 2; plus strand), HADHA (hydroxyacyl-CoA dehydrogenase trifunctional multienzyme complex subunit alpha; minus strand). Cytogenetic location: 2p23.3.
Variant type: Duplication.
Coding change: c.1319dup on transcript NM_000182.5 (MANE Select); coding-DNA position 1319, one base duplicated (A; older notation c.1319dupA).
Protein change: p.Ala441fs; shifts the reading frame from alanine 441.
Molecular consequence: frameshift variant.
Genome position (GRCh38, 1-based): chr2:26,201,222, T duplicated on the plus strand (A on the coding strand, the reverse complement: HADHA is on the minus strand); the first of 4 consecutive T bases (chr2:26,201,222-26,201,225); duplicating any one gives the same sequence. VCF-style (leftmost placement, unchanged base first): chr2-26201221-C-CT. GRCh37 (hg19) VCF-style: chr2-26424090-C-CT.
Other names: short protein forms A441fs.
Identifiers: ClinVar variation 1073572 (VCV001073572.8), dbSNP rs2147759662, ClinGen allele CA2499215827.

ClinVar aggregate classification (germline): Pathogenic. Review status: criteria provided, multiple submitters, no conflicts (2 of 4 stars). 2 submissions from 2 submitters: Pathogenic (2). Last evaluated 2025-04-16.

Conditions:
Long chain 3-hydroxyacyl-CoA dehydrogenase deficiency. Also called: LCHAD Deficiency; Deficiency of long-chain 3-hydroxyacyl-coenzyme A dehydrogenase. Identifiers: Orphanet 5, MedGen C3711645, MONDO:0012173, OMIM 609016.
Mitochondrial trifunctional protein deficiency. Identifiers: Orphanet 746, MedGen C1969443, MONDO:0012172.

Submissions (2):

Myriad Genetics, Inc.
Classification: Pathogenic for Long chain 3-hydroxyacyl-CoA dehydrogenase deficiency. Last evaluated: 2025-04-16. Review status: criteria provided, single submitter. Criteria: Myriad Autosomal Dominant, Autosomal Recessive and X-Linked Classification Criteria (2023). Collection method: clinical testing. Allele origin: unknown.
Comment: NM_000182.4(HADHA):c.1319dupA(A441Gfs*6) is expected to be pathogenic in the context of HADHA-related disorders. This variant is predicted to lead to an abnormal or absent protein product due to the creation of a premature termination codon in HADHA, a gene where loss-of-function variants are known to be pathogenic. Please note: this variant was assessed in the context of healthy population screening.

Labcorp Genetics (formerly Invitae), Labcorp
Classification: Pathogenic for Mitochondrial trifunctional protein deficiency; Long chain 3-hydroxyacyl-CoA dehydrogenase deficiency. Last evaluated: 2020-09-18. Review status: criteria provided, single submitter. Criteria: Invitae Variant Classification Sherloc (09022015). Collection method: clinical testing. Allele origin: germline.
Comment: For these reasons, this variant has been classified as Pathogenic. Loss-of-function variants in HADHA are known to be pathogenic (PMID: 7738175, 21103935, 21549624, 22459206). This variant has not been reported in the literature in individuals with HADHA-related conditions. This variant is not present in population databases (ExAC no frequency). This sequence change creates a premature translational stop signal (p.Ala441Glyfs*6) in the HADHA gene. It is expected to result in an absent or disrupted protein product.

Literature cited by the submitters: PubMed 7738175 (cited by Labcorp Genetics (formerly Invitae), Labcorp); PubMed 21103935 (cited by Labcorp Genetics (formerly Invitae), Labcorp); PubMed 21549624 (cited by Labcorp Genetics (formerly Invitae), Labcorp); PubMed 22459206 (cited by Labcorp Genetics (formerly Invitae), Labcorp).